The following is an entry in ClinVar:

NM_001267550.2(TTN):c.34098GGAAGAGGAAGTTCTACCTGA[3] (p.11363VLPEEEE[5])

Gene: TTN (titin; minus strand). Cytogenetic location: 2q31.2.
Variant type: Microsatellite.
Coding change: c.34098GGAAGAGGAAGTTCTACCTGA[3] on transcript NM_001267550.2 (MANE Select); three copies in a row of the 21-base unit GGAAGAGGAAGTTCTACCTGA starting at c.34098; the reference has two copies in a row; one copy, 21 bases duplicated.
Protein change: p.11363VLPEEEE[5].
Molecular consequence: inframe insertion. On other transcripts: intron variant (3).
Genome position (GRCh38, 1-based): chr2:178,677,773-178,677,793, TCAGGTAGAACTTCCTCTTCC duplicated on the plus strand (GGAAGAGGAAGTTCTACCTGA on the coding strand, the reverse complement: TTN is on the minus strand); duplicating any 21 consecutive bases within chr2:178,677,773-178,677,834 gives the same sequence; the position shown is the placement nearest the transcript's 3' end. VCF-style (leftmost placement, unchanged base first): chr2-178677772-T-TTCAGGTAGAACTTCCTCTTCC. GRCh37 (hg19) VCF-style: chr2-179542499-T-TTCAGGTAGAACTTCCTCTTCC.
Other names: p.Val10140_Glu10146dup; p.Glu10146_Ile10147insValLeuProGluGluGluGlu; c.33168_33188dupGGAAGAGGAAGTTCTACCTGA (NM_001256850.1); c.34119_34139dupGGAAGAGGAAGTTCTACCTGA (NM_001267550.2); c.33147GGAAGAGGAAGTTCTACCTGA[3], p.11046VLPEEEE[5] (NM_001256850.1); c.30366GGAAGAGGAAGTTCTACCTGA[3], p.10119VLPEEEE[5] (NM_133378.4); c.13283-35497GGAAGAGGAAGTTCTACCTGA[3] (NM_003319.4); c.13859-35497GGAAGAGGAAGTTCTACCTGA[3] (NM_133437.4); and 3 more.
Identifiers: ClinVar variation 46900 (VCV000046900.28), dbSNP rs397517548, ClinGen allele CA139465.

ClinVar aggregate classification (germline): Conflicting classifications of pathogenicity. Review status: criteria provided, conflicting classifications (1 of 4 stars). 10 submissions from 10 submitters: Uncertain significance (4); Likely benign (3). 3 of the submissions do not count toward it. Last evaluated 2026-06-24.

Conditions:
TTN-related disorder. Also called: TTN-related condition; TTN-related disease; TTN-related disorders.
Autosomal recessive limb-girdle muscular dystrophy type 2J (LGMDR10). Also called: Limb-girdle muscular dystrophy, type 2J; MUSCULAR DYSTROPHY, LIMB-GIRDLE, AUTOSOMAL RECESSIVE 10. Identifiers: Orphanet 140922, MedGen C1837342, MONDO:0012127, OMIM 608807.
Dilated cardiomyopathy 1G (CMD1G). Identifiers: Orphanet 154, MedGen C1858763, MONDO:0011400, OMIM 604145.

Submissions (10):

PreventionGenetics, part of Exact Sciences
Classification: Uncertain significance for TTN-related condition. Last evaluated: 2026-06-24. Review status: criteria provided, single submitter. Criteria: ACMG Guidelines, 2015. Collection method: clinical testing. Allele origin: germline.
Comment: The TTN c.34119_34139dup21 variant is predicted to result in an in-frame duplication (p.Val11384_Glu11390dup). To our knowledge, this variant has not been reported in the literature. This variant is reported in 0.15% of alleles in individuals of South Asian descent in gnomAD; however, the quality of this data is questionable and should be treated with caution. Although we suspect that this variant may be benign, at this time, the clinical significance of this variant is uncertain due to the absence of conclusive functional and genetic evidence.

Blueprint Genetics
Classification: Likely benign. Last evaluated: 2024-11-13. Review status: criteria provided, single submitter. Criteria: ACMG Guidelines, 2015. Collection method: clinical testing. Allele origin: germline.

Women's Health and Genetics/Laboratory Corporation of America, LabCorp
Classification: Likely benign. Last evaluated: 2024-06-24. Review status: criteria provided, single submitter. Criteria: LabCorp Variant Classification Summary - May 2015. Collection method: clinical testing. Allele origin: germline.

GeneDx
Classification: Likely benign. Last evaluated: 2020-05-12. Review status: criteria provided, single submitter. Criteria: GeneDx Variant Classification Process June 2021. Collection method: clinical testing. Allele origin: germline. Affected: yes.

Genomic Research Center, Shahid Beheshti University of Medical Sciences
Classification: Uncertain significance. Last evaluated: 2019-04-27. Review status: criteria provided, single submitter. Criteria: ACMG Guidelines, 2015. Collection method: clinical testing. Allele origin: unknown. Affected: no.

Labcorp Genetics (formerly Invitae), Labcorp
Classification: Uncertain significance for Dilated cardiomyopathy 1G; Autosomal recessive limb-girdle muscular dystrophy type 2J. Last evaluated: 2016-09-23. Review status: criteria provided, single submitter. Criteria: Invitae Variant Classification Sherloc (09022015). Collection method: clinical testing. Allele origin: germline.

Laboratory for Molecular Medicine, Mass General Brigham Personalized Medicine
Classification: Uncertain significance. Last evaluated: 2015-02-10. Review status: criteria provided, single submitter. Criteria: LMM Criteria. Collection method: clinical testing. Allele origin: germline. Observed: 1 variant allele.
Comment: The p.Val10140_Glu10146dup variant in TTN has not been previously reported in in dividuals with cardiomyopathy. Data from large population studies is insufficien t to assess the frequency of this variant. This variant results in the duplicati on of a stretch of 7 amino acids that are repeated multiple times in this region of the protein, and is not predicted to alter the protein reading-frame. Variat ions in the number of repeats of the seven amino acids are naturally present in other species (including rhesus monkey), suggesting that variation in this regio n may be tolerated. However, this information is not predictive enough to rule o ut pathogenicity. In summary, the clinical significance of the p.Val10140_Glu101 46dup variant is uncertain.

Clinical Genetics DNA and cytogenetics Diagnostics Lab, Erasmus MC, Erasmus Medical Center
Classification: Likely benign. Review status: no assertion criteria provided. Collection method: clinical testing. Allele origin: germline. Affected: yes. Study: VKGL Data-share Consensus. Not counted in ClinVar's aggregate classification.

Clinical Genetics, Academic Medical Center
Classification: Likely benign. Review status: no assertion criteria provided. Collection method: clinical testing. Allele origin: germline. Affected: yes. Study: VKGL Data-share Consensus. Not counted in ClinVar's aggregate classification.

Diagnostic Laboratory, Department of Genetics, University Medical Center Groningen
Classification: Likely benign. Review status: no assertion criteria provided. Collection method: clinical testing. Allele origin: germline. Affected: yes. Study: VKGL Data-share Consensus. Not counted in ClinVar's aggregate classification.